The following is an entry in ClinVar:

NM_005475.3(SH2B3):c.515C>A (p.Thr172Asn)

Gene: SH2B3 (SH2B adaptor protein 3; plus strand). Cytogenetic location: 12q24.12.
Variant type: single nucleotide variant.
Coding change: c.515C>A on transcript NM_005475.3 (MANE Select); coding-DNA position 515, C replaced by A.
Protein change: p.Thr172Asn; replaces threonine 172 with asparagine.
Molecular consequence: missense variant.
Genome position (GRCh38, 1-based): chr12:111,418,660, C>A. VCF-style: chr12-111418660-C-A. GRCh37 (hg19) VCF-style: chr12-111856464-C-A.
Other names: short protein forms T172N.
Identifiers: ClinVar variation 3795086 (VCV003795086.1).
Genomic context (GRCh38, chr12:111,418,660, plus strand): 5'-GGGAGCTGCCAGCGGCCCACACCGCTGCCGCCCCCGGGACCCCCGGAGAGGCTGCTGAGA[C>A]CCCCGCCCGGCCTGGCCTGGCCAAGAAGTTCCTGCCCTGGAGCCTGGCCCGGGAGCCGCC-3'
Protein context (NP_005466.1, residues 162-182): APGTPGEAAE[Thr172Asn]PARPGLAKKF

ClinVar aggregate classification (germline): Uncertain significance (1 of 4 stars; one submission).

Conditions:
Inborn genetic diseases. Identifiers: MedGen C0950123, MeSH D030342.

gnomAD v4.1: 8 of 1,487,080 alleles (0.00054%); highest among the groups gnomAD compares: East Asian, 0.017%; no homozygotes.

Submission:

Ambry Genetics
Classification: Uncertain significance for Inborn genetic diseases. Last evaluated: 2025-01-07. Review status: criteria provided, single submitter. Criteria: Ambry Variant Classification Scheme 2023. Collection method: clinical testing. Allele origin: germline.
Comment: The p.T172N variant (also known as c.515C>A), located in coding exon 1 of the SH2B3 gene, results from a C to A substitution at nucleotide position 515. The threonine at codon 172 is replaced by asparagine, an amino acid with similar properties. This amino acid position is conserved. In addition, this alteration is predicted to be tolerated by in silico analysis. Based on the available evidence, the clinical significance of this variant remains unclear.